The following is an entry in ClinVar:

NM_019066.5(MAGEL2):c.2120C>T (p.Pro707Leu)

Gene: MAGEL2 (MAGE family member L2; minus strand). Cytogenetic location: 15q11.2.
Variant type: single nucleotide variant.
Coding change: c.2120C>T on transcript NM_019066.5 (MANE Select); coding-DNA position 2120, C replaced by T.
Protein change: p.Pro707Leu; replaces proline 707 with leucine.
Molecular consequence: missense variant.
Genome position (GRCh38, 1-based): chr15:23,645,623, G>A on the plus strand (C>T on the coding strand, the complement: MAGEL2 is on the minus strand). VCF-style: chr15-23645623-G-A. GRCh37 (hg19) VCF-style: chr15-23890770-G-A.
Other names: short protein forms P707L.
Identifiers: ClinVar variation 2433612 (VCV002433612.6), dbSNP rs1243637627, ClinGen allele CA391332637.

ClinVar aggregate classification (germline): Uncertain significance. Review status: criteria provided, multiple submitters, no conflicts (2 of 4 stars). 2 submissions from 2 submitters: Uncertain significance (2). Last evaluated 2025-02-13.

Conditions:
Schaaf-Yang syndrome (SHFYNG). Also called: Arthrogryposis, distal, with hypopituitarism, intellectual disability, and facial anomalies; MAGEL2-related Prader-Willi-like syndrome. Identifiers: Orphanet 398069, MedGen C5575066, MONDO:0014243, OMIM 615547.
MAGEL2-related disorder. Also called: MAGEL2-related condition.

Allele frequency attached by ClinVar (database versions not stated): gnomAD exomes below 0.00001; gnomAD 0.00002; TOPMed 0.00005.

Submissions (2):

PreventionGenetics, part of Exact Sciences
Classification: Uncertain significance for MAGEL2-related condition. Last evaluated: 2025-02-13. Review status: criteria provided, single submitter. Criteria: ACMG Guidelines, 2015. Collection method: clinical testing. Allele origin: germline.
Comment: The MAGEL2 c.2120C>T variant is predicted to result in the amino acid substitution p.Pro707Leu. To our knowledge, this variant has not been reported in the literature. This variant is reported in 0.022% of alleles in individuals of African descent in gnomAD. This variant falls within a highly paralogous region. Allele frequency data should be interpreted with caution. Although we suspect that this variant may be benign, at this time, the clinical significance of this variant is uncertain due to the absence of conclusive functional and genetic evidence.

Revvity Omics, Revvity
Classification: Uncertain significance for Schaaf-Yang syndrome. Last evaluated: 2021-01-28. Review status: criteria provided, single submitter. Criteria: ACMG Guidelines, 2015. Collection method: clinical testing. Allele origin: germline.